The following is an entry in ClinVar:

NM_000271.5(NPC1):c.2073G>A (p.Pro691=)

Gene: NPC1 (NPC intracellular cholesterol transporter 1; minus strand). Cytogenetic location: 18q11.2.
Variant type: single nucleotide variant.
Coding change: c.2073G>A on transcript NM_000271.5 (MANE Select); coding-DNA position 2073, G replaced by A.
Protein change: p.Pro691=; no amino-acid change (proline 691 retained).
Molecular consequence: synonymous variant.
Genome position (GRCh38, 1-based): chr18:23,544,401, C>T on the plus strand (G>A on the coding strand, the complement: NPC1 is on the minus strand). VCF-style: chr18-23544401-C-T. GRCh37 (hg19) VCF-style: chr18-21124365-C-T.
Identifiers: ClinVar variation 194158 (VCV000194158.63), dbSNP rs113013085, ClinGen allele CA200998.
Genomic context (GRCh38, chr18:23,544,401, plus strand): 5'-TACCTGGTAGGCCTGCACCAGAATGAAGATGTTGTCCACTCCAACAGCCAGCACCAGGAA[C>T]GGGATGACTTCAATCACAATGAGGGTCAAGGGCAACCCAATGTAGCTGAAGACACCCAAG-3'
Protein context (NP_000262.2, residues 681-701): PLTLIVIEVI[Pro691=]FLVLAVGVDN

ClinVar aggregate classification (germline): Benign/Likely benign. Review status: criteria provided, multiple submitters, no conflicts (2 of 4 stars). 16 submissions from 16 submitters: Benign (5); Likely benign (5). 6 of the submissions do not count toward it. Last evaluated 2026-09-01.

Conditions:
NPC1-related disorder. Also called: NPC1-related condition.
Inborn genetic diseases. Identifiers: MedGen C0950123, MeSH D030342.
Niemann-Pick disease, type C1. Also called: NEUROVISCERAL STORAGE DISEASE WITH VERTICAL SUPRANUCLEAR OPHTHALMOPLEGIA; NIEMANN-PICK DISEASE WITH CHOLESTEROL ESTERIFICATION BLOCK; NIEMANN-PICK DISEASE WITHOUT SPHINGOMYELINASE DEFICIENCY; NIEMANN-PICK DISEASE, CHRONIC NEURONOPATHIC FORM; NIEMANN-PICK DISEASE, VARIANT TYPE C1. Identifiers: Orphanet 646, MedGen C3179455, MONDO:0009757, OMIM 257220.

Allele frequency attached by ClinVar (database versions not stated): TOPMed 0.00437; gnomAD 0.00465 and 0.00490; 1000 Genomes Project 30x 0.00468; ESP Exome Variant Server 0.00477; 1000 Genomes Project 0.00499; gnomAD exomes 0.00536 and 0.00667; ExAC 0.00543.
gnomAD v4.1: 10,474 of 1,614,158 alleles (0.65%); highest among the groups gnomAD compares: Middle Eastern, 1.1%; 51 homozygotes.

Submissions (16):

CeGaT Center for Human Genetics Tuebingen
Classification: Benign. Last evaluated: 2026-09-01. Review status: criteria provided, single submitter. Criteria: CeGaT Center For Human Genetics Tuebingen Variant Classification Criteria Version 2. Collection method: clinical testing. Allele origin: germline. Affected: yes. Observed: 43 variant alleles.
Comment: NPC1: BP4, BP7, BS1, BS2

Labcorp Genetics (formerly Invitae), Labcorp
Classification: Benign for Niemann-Pick disease, type C1. Last evaluated: 2026-02-04. Review status: criteria provided, single submitter. Criteria: Invitae Variant Classification Sherloc (09022015). Collection method: clinical testing. Allele origin: germline.

Ambry Genetics
Classification: Likely benign for Inborn genetic diseases. Last evaluated: 2022-02-20. Review status: criteria provided, single submitter. Criteria: Ambry Variant Classification Scheme 2023. Collection method: clinical testing. Allele origin: germline.

Genome-Nilou Lab
Classification: Benign for Niemann-Pick disease, type C1. Last evaluated: 2021-06-10. Review status: criteria provided, single submitter. Criteria: ACMG Guidelines, 2015. Collection method: clinical testing. Allele origin: germline. Affected: no.

Illumina Laboratory Services, Illumina
Classification: Likely benign for Niemann-Pick disease type C1. Last evaluated: 2018-01-12. Review status: criteria provided, single submitter. Criteria: ICSL Variant Classification Criteria 13 December 2019. Collection method: clinical testing. Allele origin: germline.
Comment: This variant was observed in the ICSL laboratory as part of a predisposition screen in an ostensibly healthy population. It had not been previously curated by ICSL or reported in the Human Gene Mutation Database (HGMD: prior to June 1st, 2018), and was therefore a candidate for classification through an automated scoring system. Utilizing variant allele frequency, disease prevalence and penetrance estimates, and inheritance mode, an automated score was calculated to assess if this variant is too frequent to cause the disease. Based on the score and internal cut-off values, a variant classified as likely benign is not then subjected to further curation. The score for this variant resulted in a classification of likely benign for this disease.

Clinical Genetics DNA and cytogenetics Diagnostics Lab, Erasmus MC, Erasmus Medical Center
Classification: Likely benign for Niemann-Pick disease, type C1. Last evaluated: 2017-06-28. Review status: criteria provided, single submitter. Criteria: ACGS Guidelines, 2013. Collection method: clinical testing. Allele origin: germline. Affected: yes. Study: VKGL Data-share Consensus.

Laboratory for Molecular Medicine, Mass General Brigham Personalized Medicine
Classification: Likely benign. Last evaluated: 2016-03-28. Review status: criteria provided, single submitter. Criteria: LMM Criteria. Collection method: clinical testing. Allele origin: germline.
Comment: Variant identified in a genome or exome case(s) and assessed due to predicted null impact of the variant or pathogenic assertions in the literature or databases. Disclaimer: This variant has not undergone full assessment. The following are preliminary notes: MAF, Silent variant.

GeneDx
Classification: Benign. Last evaluated: 2015-09-24. Review status: criteria provided, single submitter. Criteria: GeneDx Variant Classification (06012015). Collection method: clinical testing. Allele origin: germline. Affected: yes.
Comment: This variant is considered likely benign or benign based on one or more of the following criteria: it is a conservative change, it occurs at a poorly conserved position in the protein, it is predicted to be benign by multiple in silico algorithms, and/or has population frequency not consistent with disease.

Eurofins Ntd Llc (ga)
Classification: Benign. Last evaluated: 2015-05-20. Review status: criteria provided, single submitter. Criteria: EGL Classification Definitions 2015. Collection method: clinical testing. Allele origin: germline. Observed: 2 variant alleles, 2 heterozygotes.

Breakthrough Genomics
Classification: Likely benign. Review status: criteria provided, single submitter. Criteria: ACMG Guidelines, 2015. Collection method: not provided. Allele origin: germline. Inheritance: Autosomal recessive inheritance. Affected: yes.

PreventionGenetics, part of Exact Sciences
Classification: Benign for NPC1-related condition. Last evaluated: 2023-06-22. Review status: no assertion criteria provided. Collection method: clinical testing. Allele origin: germline. Not counted in ClinVar's aggregate classification.
Comment: This variant is classified as benign based on ACMG/AMP sequence variant interpretation guidelines (Richards et al. 2015 PMID: 25741868, with internal and published modifications).

Natera, Inc.
Classification: Benign for Niemann-Pick disease type C1. Last evaluated: 2019-12-06. Review status: no assertion criteria provided. Collection method: clinical testing. Allele origin: germline. Not counted in ClinVar's aggregate classification.

Genome Diagnostics Laboratory, Amsterdam University Medical Center
Classification: Likely benign for Niemann-Pick disease, type C1. Last evaluated: 2017-08-07. Review status: no assertion criteria provided. Criteria: ACGS Guidelines, 2013. Collection method: clinical testing. Allele origin: germline. Affected: yes. Study: VKGL Data-share Consensus. Not counted in ClinVar's aggregate classification.

Mayo Clinic Laboratories, Mayo Clinic
Classification: Likely benign. Last evaluated: 2017-04-25. Review status: no assertion criteria provided. Collection method: clinical testing. Allele origin: unknown. Not counted in ClinVar's aggregate classification.

Diagnostic Laboratory, Department of Genetics, University Medical Center Groningen
Classification: Likely benign for Niemann-Pick disease, type C1. Review status: no assertion criteria provided. Collection method: clinical testing. Allele origin: germline. Affected: yes. Study: VKGL Data-share Consensus. Not counted in ClinVar's aggregate classification.

Genome Diagnostics Laboratory, University Medical Center Utrecht
Classification: Likely benign. Review status: no assertion criteria provided. Collection method: clinical testing. Allele origin: germline. Affected: yes. Study: VKGL Data-share Consensus. Not counted in ClinVar's aggregate classification.